The following is an entry in ClinVar:

ClinVar aggregate classification (germline): Uncertain significance (1 of 4 stars; one submission).

gnomAD v4.1: 30 of 1,613,990 alleles (0.0019%); highest among the groups gnomAD compares: Non-Finnish European, 0.0025%; no homozygotes.

Submission:

Labcorp Genetics (formerly Invitae), Labcorp
Classification: Uncertain significance. Last evaluated: 2021-10-26. Review status: criteria provided, single submitter. Criteria: Invitae Variant Classification Sherloc (09022015). Collection method: clinical testing. Allele origin: germline.
Comment: This sequence change replaces serine with cysteine at codon 31 of the CNGB3 protein (p.Ser31Cys). The serine residue is weakly conserved and there is a moderate physicochemical difference between serine and cysteine. This variant is not present in population databases (ExAC no frequency). This variant has not been reported in the literature in individuals affected with CNGB3-related conditions. Advanced modeling of protein sequence and biophysical properties (such as structural, functional, and spatial information, amino acid conservation, physicochemical variation, residue mobility, and thermodynamic stability) performed at Invitae indicates that this missense variant is not expected to disrupt CNGB3 protein function. In summary, the available evidence is currently insufficient to determine the role of this variant in disease. Therefore, it has been classified as a Variant of Uncertain Significance.

NM_019098.5(CNGB3):c.92C>G (p.Ser31Cys)

Gene: CNGB3 (cyclic nucleotide gated channel subunit beta 3; minus strand). Cytogenetic location: 8q21.3.
Variant type: single nucleotide variant.
Coding change: c.92C>G on transcript NM_019098.5 (MANE Select); coding-DNA position 92, C replaced by G.
Protein change: p.Ser31Cys; replaces serine 31 with cysteine.
Molecular consequence: missense variant.
Genome position (GRCh38, 1-based): chr8:86,743,536, G>C on the plus strand (C>G on the coding strand, the complement: CNGB3 is on the minus strand). VCF-style: chr8-86743536-G-C. GRCh37 (hg19) VCF-style: chr8-87755764-G-C.
Other names: short protein forms S31C.
Identifiers: ClinVar variation 1901470 (VCV001901470.2), dbSNP rs1472499237, ClinGen allele CA371452746.